The following is an entry in ClinVar:

NM_001009944.3(PKD1):c.3640G>T (p.Gly1214Ter)

Gene: PKD1 (polycystin 1, transient receptor potential channel interacting; minus strand). Cytogenetic location: 16p13.3.
Variant type: single nucleotide variant.
Coding change: c.3640G>T on transcript NM_001009944.3 (MANE Select); coding-DNA position 3640, G replaced by T.
Protein change: p.Gly1214Ter; replaces glycine 1214 with a stop codon.
Molecular consequence: nonsense.
Genome position (GRCh38, 1-based): chr16:2,111,527, C>A on the plus strand (G>T on the coding strand, the complement: PKD1 is on the minus strand). VCF-style: chr16-2111527-C-A. GRCh37 (hg19) VCF-style: chr16-2161528-C-A.
Other names: c.3640G>T, p.Gly1214Ter (NM_000296.4); short protein forms G1214*.
Identifiers: ClinVar variation 3382873 (VCV003382873.3).

ClinVar aggregate classification (germline): Pathogenic. Review status: criteria provided, multiple submitters, no conflicts (2 of 4 stars). 2 submissions from 2 submitters: Pathogenic (2). Last evaluated 2022-07-08.

Conditions:
PKD1-related disorder. Also called: PKD1-related condition.
Polycystic kidney disease, adult type (PKD1). Also called: Polycystic Kidney Disease 1, Autosomal Dominant; Polycystic kidney disease 1; Polycystic kidney disease 1, severe; POLYCYSTIC KIDNEY DISEASE 1 WITH OR WITHOUT POLYCYSTIC LIVER DISEASE; POLYCYSTIC KIDNEY DISEASE, ADULT, TYPE I; Polycystic Kidney, Autosomal Dominant. Identifiers: MedGen C3149841, MONDO:0008263, OMIM 173900.

Submissions (2):

Blueprint Genetics
Classification: Pathogenic for PKD1-related disorders. Last evaluated: 2022-07-08. Review status: criteria provided, single submitter. Criteria: ACMG Guidelines, 2015. Collection method: clinical testing. Allele origin: germline. Affected: yes. Observed: 2 variant alleles.

Juno Genomics, Hangzhou Juno Genomics, Inc
Classification: Pathogenic for Polycystic kidney disease, adult type. Review status: criteria provided, single submitter. Criteria: ACMG Guidelines, 2015. Collection method: clinical testing. Allele origin: germline. Affected: yes.
Comment: Absent from controls (or at extremely low frequency if recessive) in Genome Aggregation Database, Exome Sequencing Project, 1000 Genomes Project, or Exome Aggregation Consortium.;Patient's phenotype or family history is highly specific for a disease with a single genetic etiology.;Null variant in a gene where loss of function (LOF) is a known mechanism of disease.;The prevalence of the variant in affected individuals is significantly increased compared to the prevalence in controls.